The following is an entry in ClinVar:

ClinVar aggregate classification (germline): Uncertain significance (1 of 4 stars; one submission).

Conditions:
Inborn genetic diseases. Identifiers: MedGen C0950123, MeSH D030342.

Submission:

Ambry Genetics
Classification: Uncertain significance for Inborn genetic diseases. Last evaluated: 2025-10-16. Review status: criteria provided, single submitter. Criteria: Ambry Variant Classification Scheme 2023. Collection method: clinical testing. Allele origin: germline.
Comment: The p.M1653T variant (also known as c.4958T>C), located in coding exon 20 of the FANCM gene, results from a T to C substitution at nucleotide position 4958. The methionine at codon 1653 is replaced by threonine, an amino acid with similar properties. This amino acid position is conserved. In addition, this alteration is predicted to be tolerated by in silico analysis. Based on the available evidence, the clinical significance of this variant remains unclear.

NM_020937.4(FANCM):c.4958T>C (p.Met1653Thr)

Gene: FANCM (FA complementation group M; plus strand). Cytogenetic location: 14q21.2.
Variant type: single nucleotide variant.
Coding change: c.4958T>C on transcript NM_020937.4 (MANE Select); coding-DNA position 4958, T replaced by C.
Protein change: p.Met1653Thr; replaces methionine 1653 with threonine.
Molecular consequence: missense variant.
Genome position (GRCh38, 1-based): chr14:45,188,980, T>C. VCF-style: chr14-45188980-T-C. GRCh37 (hg19) VCF-style: chr14-45658183-T-C.
Other names: c.4880T>C, p.Met1627Thr (NM_001308133.2); short protein forms M1627T, M1653T.
Identifiers: ClinVar variation 4619493 (VCV004619493.1).
Genomic context (GRCh38, chr14:45,188,980, plus strand): 5'-ATTGCTTTGCAAATAGTAAAAAGTATAAAACTCGACGTGCAGTAATGCTAAAAGAAATGA[T>C]GGAACAAAATTGTGCACATTCAAAAAAGAAATTATCCAGAATTATTTTACCAGATGATTC-3'
Protein context (NP_065988.1, residues 1643-1663): TRRAVMLKEM[Met1653Thr]EQNCAHSKKK